The following is an entry in ClinVar:

ClinVar aggregate classification (germline): Uncertain significance (1 of 4 stars; one submission).

Conditions:
Oligodontia-cancer predisposition syndrome. Also called: TOOTH AGENESIS-COLORECTAL CANCER SYNDROME. Identifiers: Orphanet 300576, MedGen C1837750, MONDO:0012075, OMIM 608615. Disease mechanism: loss of function.

Submission:

Labcorp Genetics (formerly Invitae), Labcorp
Classification: Uncertain significance for Oligodontia-cancer predisposition syndrome. Last evaluated: 2023-07-03. Review status: criteria provided, single submitter. Criteria: Invitae Variant Classification Sherloc (09022015). Collection method: clinical testing. Allele origin: germline.
Comment: In summary, the available evidence is currently insufficient to determine the role of this variant in disease. Therefore, it has been classified as a Variant of Uncertain Significance. This variant has not been reported in the literature in individuals affected with AXIN2-related conditions. This variant is not present in population databases (gnomAD no frequency). This variant, c.1370_1372dup, results in the insertion of 1 amino acid(s) of the AXIN2 protein (p.Val457dup), but otherwise preserves the integrity of the reading frame.

NM_004655.4(AXIN2):c.1370_1372dup (p.Val457_Gly458insVal)

Gene: AXIN2 (axin 2; minus strand). Cytogenetic location: 17q24.1.
Variant type: Duplication.
Coding change: c.1370_1372dup on transcript NM_004655.4 (MANE Select); coding-DNA positions 1370 to 1372, 3 bases duplicated (TAG; older notation c.1370_1372dupTAG).
Protein change: p.Val457_Gly458insVal.
Molecular consequence: inframe insertion.
Genome position (GRCh38, 1-based): chr17:65,537,664-65,537,666, CTA duplicated on the plus strand (TAG on the coding strand, the reverse complement: AXIN2 is on the minus strand); duplicating any 3 consecutive bases within chr17:65,537,664-65,537,667 gives the same sequence; the c. name uses the placement nearest the transcript's 3' end. VCF-style (leftmost placement, unchanged base first): chr17-65537663-C-CCTA. GRCh37 (hg19) VCF-style: chr17-63533781-C-CCTA.
Other names: c.1370_1372dup, p.Val457_Gly458insVal (NM_001363813.1).
Identifiers: ClinVar variation 2865140 (VCV002865140.3), dbSNP rs2509416071, ClinGen allele CA2739268338.